The following is an entry in ClinVar:

NM_001035.3(RYR2):c.11245+5G>A

Gene: RYR2 (ryanodine receptor 2; plus strand). Cytogenetic location: 1q43.
Variant type: single nucleotide variant.
Coding change: c.11245+5G>A on transcript NM_001035.3 (MANE Select); 5 bases into the intron after coding-DNA position 11245, G replaced by A.
Molecular consequence: intron variant.
Genome position (GRCh38, 1-based): chr1:237,756,392, G>A. VCF-style: chr1-237756392-G-A. GRCh37 (hg19) VCF-style: chr1-237919692-G-A.
Identifiers: ClinVar variation 4738373 (VCV004738373.1).

ClinVar aggregate classification (germline): Uncertain significance (1 of 4 stars; one submission).

Conditions:
Catecholaminergic polymorphic ventricular tachycardia 1. Also called: VENTRICULAR TACHYCARDIA, CATECHOLAMINERGIC POLYMORPHIC, 1, WITH OR WITHOUT ATRIAL DYSFUNCTION AND/OR DILATED CARDIOMYOPATHY; RYR2-Related Catecholaminergic Polymorphic Ventricular Tachycardia; VENTRICULAR TACHYCARDIA, STRESS-INDUCED POLYMORPHIC 1. Identifiers: Orphanet 3286, MedGen C1631597, MONDO:0011484, OMIM 604772.

Submission:

Labcorp Genetics (formerly Invitae), Labcorp
Classification: Uncertain significance for Catecholaminergic polymorphic ventricular tachycardia 1. Last evaluated: 2025-08-13. Review status: criteria provided, single submitter. Criteria: Invitae Variant Classification Sherloc (09022015). Collection method: clinical testing. Allele origin: germline.
Comment: This sequence change falls in intron 81 of the RYR2 gene. It does not directly change the encoded amino acid sequence of the RYR2 protein. It affects a nucleotide within the consensus splice site. This variant is not present in population databases (gnomAD no frequency). This variant has not been reported in the literature in individuals affected with RYR2-related conditions. Variants that disrupt the consensus splice site are a relatively common cause of aberrant splicing (PMID: 17576681, 9536098). Algorithms developed to predict the effect of sequence changes on RNA splicing suggest that this variant is not likely to affect RNA splicing. In summary, the available evidence is currently insufficient to determine the role of this variant in disease. Therefore, it has been classified as a Variant of Uncertain Significance.

Literature cited by the submitters: PubMed 17576681; PubMed 9536098.